The following is an entry in ClinVar:

ClinVar aggregate classification (germline): Uncertain significance (1 of 4 stars; one submission).

Conditions:
Myofibrillar myopathy 5. Also called: Filaminopathy (type); FILAMINOPATHY, AUTOSOMAL DOMINANT. Identifiers: Orphanet 171445, MedGen C1836050, MONDO:0012289, OMIM 609524.
Distal myopathy with posterior leg and anterior hand involvement. Also called: WILLIAMS DISTAL MYOPATHY. Identifiers: Orphanet 63273, MedGen C3279722, MONDO:0013550, OMIM 614065.
Hypertrophic cardiomyopathy 26. Also called: Cardiomyopathy, familial hypertrophic, 26. Identifiers: Orphanet 75249, MedGen C4310749, MONDO:0014883, OMIM 617047.

Submission:

Labcorp Genetics (formerly Invitae), Labcorp
Classification: Uncertain significance for Distal myopathy with posterior leg and anterior hand involvement; Myofibrillar myopathy 5; Hypertrophic cardiomyopathy 26. Last evaluated: 2022-03-18. Review status: criteria provided, single submitter. Criteria: Invitae Variant Classification Sherloc (09022015). Collection method: clinical testing. Allele origin: germline.
Comment: This sequence change replaces threonine, which is neutral and polar, with proline, which is neutral and non-polar, at codon 43 of the FLNC protein (p.Thr43Pro). This variant is not present in population databases (gnomAD no frequency). This variant has not been reported in the literature in individuals affected with FLNC-related conditions. ClinVar contains an entry for this variant (Variation ID: 863939). Algorithms developed to predict the effect of missense changes on protein structure and function are either unavailable or do not agree on the potential impact of this missense change (SIFT: "Deleterious"; PolyPhen-2: "Probably Damaging"; Align-GVGD: "Class C0"). In summary, the available evidence is currently insufficient to determine the role of this variant in disease. Therefore, it has been classified as a Variant of Uncertain Significance.

NM_001458.5(FLNC):c.127A>C (p.Thr43Pro)

Gene: FLNC (filamin C; plus strand). Cytogenetic location: 7q32.1.
Variant type: single nucleotide variant.
Coding change: c.127A>C on transcript NM_001458.5 (MANE Select); coding-DNA position 127, A replaced by C.
Protein change: p.Thr43Pro; replaces threonine 43 with proline.
Molecular consequence: missense variant.
Genome position (GRCh38, 1-based): chr7:128,830,764, A>C. VCF-style: chr7-128830764-A-C. GRCh37 (hg19) VCF-style: chr7-128470818-A-C.
Other names: c.127A>C, p.Thr43Pro (NM_001127487.2); short protein forms T43P.
Identifiers: ClinVar variation 863939 (VCV000863939.10), dbSNP rs1807852947, ClinGen allele CA369215892.